The following is an entry in ClinVar:

NM_031407.7(HUWE1):c.2056G>A (p.Glu686Lys)

Gene: HUWE1 (HECT, UBA and WWE domain containing E3 ubiquitin protein ligase 1; minus strand). Cytogenetic location: Xp11.22.
Variant type: single nucleotide variant.
Coding change: c.2056G>A on transcript NM_031407.7 (MANE Select); coding-DNA position 2056, G replaced by A.
Protein change: p.Glu686Lys; replaces glutamic acid 686 with lysine.
Molecular consequence: missense variant.
Genome position (GRCh38, 1-based): chrX:53,614,739, C>T on the plus strand (G>A on the coding strand, the complement: HUWE1 is on the minus strand). VCF-style: chrX-53614739-C-T. GRCh37 (hg19) VCF-style: chrX-53641700-C-T.
Other names: short protein forms E686K.
Identifiers: ClinVar variation 2637447 (VCV002637447.1), dbSNP rs2527368858, ClinGen allele CA413146199.

ClinVar aggregate classification (germline): Uncertain significance (1 of 4 stars; one submission).

Submission:

Women's Health and Genetics/Laboratory Corporation of America, LabCorp
Classification: Uncertain significance. Last evaluated: 2023-10-24. Review status: criteria provided, single submitter. Criteria: LabCorp Variant Classification Summary - May 2015. Collection method: clinical testing. Allele origin: germline.
Comment: Variant summary: HUWE1 c.2056G>A (p.Glu686Lys) results in a conservative amino acid change located in the E3 ubiquitin ligase, domain of unknown function DUF913 (IPR010314) of the encoded protein sequence. Four of five in-silico tools predict a benign effect of the variant on protein function. The variant was absent in 181888 control chromosomes. The available data on variant occurrences in the general population are insufficient to allow any conclusion about variant significance. To our knowledge, no occurrence of c.2056G>A in individuals affected with Intellectual Disability, X-Linked Syndromic, Turner Type and no experimental evidence demonstrating its impact on protein function have been reported. No submitters have cited clinical-significance assessments for this variant to ClinVar after 2014. Based on the evidence outlined above, the variant was classified as uncertain significance.